The following is an entry in ClinVar:

NM_002496.4(NDUFS8):c.53G>A (p.Arg18His)

Gene: NDUFS8 (NADH:ubiquinone oxidoreductase core subunit S8; plus strand). Cytogenetic location: 11q13.2.
Variant type: single nucleotide variant.
Coding change: c.53G>A on transcript NM_002496.4 (MANE Select); coding-DNA position 53, G replaced by A.
Protein change: p.Arg18His; replaces arginine 18 with histidine.
Molecular consequence: missense variant.
Genome position (GRCh38, 1-based): chr11:68,032,204, G>A. VCF-style: chr11-68032204-G-A. GRCh37 (hg19) VCF-style: chr11-67799671-G-A.
Other names: short protein forms R18H.
Identifiers: ClinVar variation 1988556 (VCV001988556.4), dbSNP rs201017561, ClinGen allele CA6146332.

ClinVar aggregate classification (germline): Uncertain significance (1 of 4 stars; one submission).

Allele frequency attached by ClinVar (database versions not stated): ExAC 0.00001; gnomAD exomes 0.00001; TOPMed 0.00001; gnomAD 0.00003; 1000 Genomes Project 30x 0.00016; 1000 Genomes Project 0.00020.
gnomAD v4.1: 11 of 1,613,386 alleles (0.00068%); highest among the groups gnomAD compares: African/African-American, 0.004%; no homozygotes.

Submission:

Labcorp Genetics (formerly Invitae), Labcorp
Classification: Uncertain significance. Last evaluated: 2022-01-27. Review status: criteria provided, single submitter. Criteria: Invitae Variant Classification Sherloc (09022015). Collection method: clinical testing. Allele origin: germline.
Comment: This sequence change replaces arginine, which is basic and polar, with histidine, which is basic and polar, at codon 18 of the NDUFS8 protein (p.Arg18His). In summary, the available evidence is currently insufficient to determine the role of this variant in disease. Therefore, it has been classified as a Variant of Uncertain Significance. This variant is present in population databases (rs201017561, gnomAD 0.004%). This variant has not been reported in the literature in individuals affected with NDUFS8-related conditions. Algorithms developed to predict the effect of missense changes on protein structure and function output the following: SIFT: "Tolerated"; PolyPhen-2: "Benign"; Align-GVGD: "Class C0". The histidine amino acid residue is found in multiple mammalian species, which suggests that this missense change does not adversely affect protein function.